The following is an entry in ClinVar:

ClinVar aggregate classification (germline): Benign. Review status: criteria provided, multiple submitters, no conflicts (2 of 4 stars). 2 submissions from 2 submitters: Benign (2). Last evaluated 2018-06-19.

Allele frequency attached by ClinVar (database versions not stated): 1000 Genomes Project 30x 0.32105; 1000 Genomes Project 0.32887; TOPMed 0.27386.

Submissions (2):

GeneDx
Classification: Benign. Last evaluated: 2018-06-19. Review status: criteria provided, single submitter. Criteria: GeneDx Variant Classification (06012015). Collection method: clinical testing. Allele origin: germline. Affected: yes.
Comment: This variant is considered likely benign or benign based on one or more of the following criteria: it is a conservative change, it occurs at a poorly conserved position in the protein, it is predicted to be benign by multiple in silico algorithms, and/or has population frequency not consistent with disease.

Breakthrough Genomics
Classification: Benign. Review status: criteria provided, single submitter. Criteria: ACMG Guidelines, 2015. Collection method: not provided. Allele origin: germline. Inheritance: Autosomal recessive inheritance. Affected: yes.

NM_014694.4(ADAMTSL2):c.91-182T>A

Gene: ADAMTSL2 (ADAMTS like 2; plus strand). Cytogenetic location: 9q34.2.
Variant type: single nucleotide variant.
Coding change: c.91-182T>A on transcript NM_014694.4 (MANE Select); 182 bases into the intron before coding-DNA position 91, T replaced by A.
Molecular consequence: intron variant.
Genome position (GRCh38, 1-based): chr9:133,537,223, T>A. VCF-style: chr9-133537223-T-A. GRCh37 (hg19) VCF-style: chr9-136402345-T-A.
Other names: c.91-182T>A (NM_001145320.2).
Identifiers: ClinVar variation 680523 (VCV000680523.2), dbSNP rs11516156, ClinGen allele CA12974246.